The following is an entry in ClinVar:

ClinVar aggregate classification (germline): Benign/Likely benign. Review status: criteria provided, multiple submitters, no conflicts (2 of 4 stars). 4 submissions from 4 submitters: Benign (1); Likely benign (3). Last evaluated 2025-07-05.

Conditions:
Hereditary cancer-predisposing syndrome. Also called: Hereditary Cancer Syndrome; Neoplastic Syndromes, Hereditary; Hereditary neoplastic syndrome; Tumor predisposition. Identifiers: Orphanet 140162, MedGen C0027672, MeSH D009386, MONDO:0015356.
Tuberous sclerosis 2 (TSC2). Identifiers: Orphanet 805, MedGen C1860707, MONDO:0013199, OMIM 613254.

Submissions (4):

Ambry Genetics
Classification: Likely benign for Hereditary cancer-predisposing syndrome. Last evaluated: 2025-07-05. Review status: criteria provided, single submitter. Criteria: Ambry Variant Classification Scheme 2023. Collection method: clinical testing. Allele origin: germline.

Myriad Genetics, Inc.
Classification: Benign for Tuberous sclerosis 2. Last evaluated: 2025-06-03. Review status: criteria provided, single submitter. Criteria: Myriad Autosomal Dominant, Autosomal Recessive and X-Linked Classification Criteria (2023). Collection method: clinical testing. Allele origin: unknown.
Comment: This variant is considered benign. This variant is a silent/synonymous amino acid change and it is not expected to impact splicing.

Labcorp Genetics (formerly Invitae), Labcorp
Classification: Likely benign for Tuberous sclerosis 2. Last evaluated: 2024-01-28. Review status: criteria provided, single submitter. Criteria: Invitae Variant Classification Sherloc (09022015). Collection method: clinical testing. Allele origin: germline.

CeGaT Center for Human Genetics Tuebingen
Classification: Likely benign. Last evaluated: 2023-11-01. Review status: criteria provided, single submitter. Criteria: CeGaT Center For Human Genetics Tuebingen Variant Classification Criteria Version 2. Collection method: clinical testing. Allele origin: germline. Affected: yes. Observed: 1 variant allele.
Comment: TSC2: PM2:Supporting, BP4, BP7

NM_000548.5(TSC2):c.4161C>A (p.Ser1387=)

Gene: TSC2 (TSC complex subunit 2; plus strand). Cytogenetic location: 16p13.3.
Variant type: single nucleotide variant.
Coding change: c.4161C>A on transcript NM_000548.5 (MANE Select); coding-DNA position 4161, C replaced by A.
Protein change: p.Ser1387=; no amino-acid change (serine 1387 retained).
Molecular consequence: synonymous variant. On other transcripts: non-coding transcript variant (5).
Genome position (GRCh38, 1-based): chr16:2,084,383, C>A. VCF-style: chr16-2084383-C-A. GRCh37 (hg19) VCF-style: chr16-2134384-C-A.
Other names: c.3960C>A, p.Ser1320= (NM_001077183.3); c.4092C>A, p.Ser1364= (NM_001114382.3); c.3852C>A, p.Ser1284= (NM_001318827.2); c.3816C>A, p.Ser1272= (NM_001318829.2); c.3429C>A, p.Ser1143= (NM_001318831.2); c.3993C>A, p.Ser1331= (NM_001318832.2); c.3963C>A, p.Ser1321= (NM_001363528.2); c.4029C>A, p.Ser1343= (NM_001370404.1); and 26 more.
Identifiers: ClinVar variation 2184477 (VCV002184477.29), dbSNP rs985829355, ClinGen allele CA493043128.